The following is an entry in ClinVar:

ClinVar aggregate classification (germline): Benign/Likely benign. Review status: criteria provided, multiple submitters, no conflicts (2 of 4 stars). 6 submissions from 6 submitters: Benign (5); Likely benign (1). Last evaluated 2026-09-01.

Conditions:
Hereditary spastic paraplegia 75. Also called: Spastic paraplegia 75, autosomal recessive. Identifiers: Orphanet 459056, MedGen C4225250, MONDO:0014729, OMIM 616680.

Allele frequency attached by ClinVar (database versions not stated): 1000 Genomes Project 0.00359; 1000 Genomes Project 30x 0.00406; gnomAD 0.00546; gnomAD exomes 0.00610; TOPMed 0.00666; ESP Exome Variant Server 0.00730.
gnomAD v4.1: 13,645 of 1,598,704 alleles (0.85%); highest among the groups gnomAD compares: Non-Finnish European, 1%; 67 homozygotes.

Submissions (6):

CeGaT Center for Human Genetics Tuebingen
Classification: Benign. Last evaluated: 2026-09-01. Review status: criteria provided, single submitter. Criteria: CeGaT Center For Human Genetics Tuebingen Variant Classification Criteria Version 2. Collection method: clinical testing. Allele origin: germline. Affected: yes. Observed: 37 variant alleles.
Comment: MAG: BP4, BS1, BS2

Labcorp Genetics (formerly Invitae), Labcorp
Classification: Benign for Hereditary spastic paraplegia 75. Last evaluated: 2026-01-27. Review status: criteria provided, single submitter. Criteria: Invitae Variant Classification Sherloc (09022015). Collection method: clinical testing. Allele origin: germline.

Genomic Medicine Center of Excellence, King Faisal Specialist Hospital and Research Centre
Classification: Likely benign. Last evaluated: 2025-08-18. Review status: criteria provided, single submitter. Criteria: ACMG Guidelines, 2015. Collection method: clinical testing. Allele origin: germline.

Mayo Clinic Laboratories, Mayo Clinic
Classification: Benign. Last evaluated: 2023-10-23. Review status: criteria provided, single submitter. Criteria: ACMG Guidelines, 2015. Collection method: clinical testing. Allele origin: germline. Observed: 4 variant alleles.
Comment: BS1, BS2

Genomic Diagnostic Laboratory, Division of Genomic Diagnostics, Children's Hospital of Philadelphia
Classification: Benign. Last evaluated: 2015-10-30. Review status: criteria provided, single submitter. Criteria: DGD Variant Analysis Guidelines. Collection method: clinical testing. Allele origin: unknown.

Breakthrough Genomics
Classification: Benign. Review status: criteria provided, single submitter. Criteria: ACMG Guidelines, 2015. Collection method: not provided. Allele origin: germline. Inheritance: Autosomal recessive inheritance. Affected: yes.

NM_002361.4(MAG):c.47-4G>T

Gene: MAG (myelin associated glycoprotein; plus strand). Cytogenetic location: 19q13.12.
Variant type: single nucleotide variant.
Coding change: c.47-4G>T on transcript NM_002361.4 (MANE Select); 4 bases into the intron before coding-DNA position 47, G replaced by T.
Molecular consequence: intron variant.
Genome position (GRCh38, 1-based): chr19:35,295,609, G>T. VCF-style: chr19-35295609-G-T. GRCh37 (hg19) VCF-style: chr19-35786512-G-T.
Other names: p.?; c.47-4G>T (NM_080600.3); c.-29-4G>T (NM_001199216.2).
Identifiers: ClinVar variation 252776 (VCV000252776.42), dbSNP rs147119099, ClinGen allele CA9375918.
Genomic context (GRCh38, chr19:35,295,609, plus strand): 5'-GGAGCCGGAGGGGGTGATCGGGTAGGACGTGTCCCTGAGCCTCAGCTCTCCTGCTTGCCC[G>T]CAGCCTCCCGAGGGGGTCACTGGGGTGCCTGGATGCCCTCGTCCATCTCGGCCTTCGAAG-3'